The following is an entry in ClinVar:

ClinVar aggregate classification (germline): Uncertain significance (1 of 4 stars; one submission).

Conditions:
Hereditary cancer-predisposing syndrome. Also called: Neoplastic Syndromes, Hereditary; Tumor predisposition; Hereditary Cancer Syndrome; Hereditary neoplastic syndrome. Identifiers: Orphanet 140162, MedGen C0027672, MeSH D009386, MONDO:0015356.

Submission:

Ambry Genetics
Classification: Uncertain significance for Hereditary cancer-predisposing syndrome. Last evaluated: 2022-07-12. Review status: criteria provided, single submitter. Criteria: Ambry Variant Classification Scheme 2023. Collection method: clinical testing. Allele origin: germline.
Comment: The p.F526L variant (also known as c.1576T>C), located in coding exon 17 of the RB1 gene, results from a T to C substitution at nucleotide position 1576. The phenylalanine at codon 526 is replaced by leucine, an amino acid with highly similar properties. This amino acid position is conserved. In addition, this alteration is predicted to be deleterious by in silico analysis. Since supporting evidence is limited at this time, the clinical significance of this alteration remains unclear.

NM_000321.3(RB1):c.1576T>C (p.Phe526Leu)

Gene: RB1 (RB transcriptional corepressor 1; plus strand). Cytogenetic location: 13q14.2.
Variant type: single nucleotide variant.
Coding change: c.1576T>C on transcript NM_000321.3 (MANE Select); coding-DNA position 1576, T replaced by C.
Protein change: p.Phe526Leu; replaces phenylalanine 526 with leucine.
Molecular consequence: missense variant.
Genome position (GRCh38, 1-based): chr13:48,381,324, T>C. VCF-style: chr13-48381324-T-C. GRCh37 (hg19) VCF-style: chr13-48955460-T-C.
Other names: c.1576T>C, p.Phe526Leu (NM_001407165.1, NM_001407166.1); short protein forms F526L.
Identifiers: ClinVar variation 1775605 (VCV001775605.2), dbSNP rs1331702695, ClinGen allele CA388163588.